The following is an entry in ClinVar:

ClinVar aggregate classification (germline): Uncertain significance. Review status: criteria provided, multiple submitters, no conflicts (2 of 4 stars). 2 submissions from 2 submitters: Uncertain significance (2). Last evaluated 2025-07-07.

Conditions:
Intellectual developmental disorder, X-linked, syndromic, Raymond type. Also called: Syndromic X-linked intellectual disability Raymond type. Identifiers: MedGen C3275406, MONDO:0010427, OMIM 300799.

Submissions (2):

GeneDx
Classification: Uncertain significance. Last evaluated: 2025-07-07. Review status: criteria provided, single submitter. Criteria: GeneDx Variant Classification Process June 2021. Collection method: clinical testing. Allele origin: germline. Affected: yes.
Comment: Not observed at significant frequency in large population cohorts (gnomAD); In silico analysis supports that this missense variant has a deleterious effect on protein structure/function; Has not been previously published as pathogenic or benign to our knowledge

Labcorp Genetics (formerly Invitae), Labcorp
Classification: Uncertain significance for Intellectual developmental disorder, X-linked, syndromic, Raymond type. Last evaluated: 2023-11-06. Review status: criteria provided, single submitter. Criteria: Invitae Variant Classification Sherloc (09022015). Collection method: clinical testing. Allele origin: germline.
Comment: This sequence change replaces asparagine, which is neutral and polar, with serine, which is neutral and polar, at codon 257 of the ZDHHC9 protein (p.Asn257Ser). This variant is not present in population databases (gnomAD no frequency). This variant has not been reported in the literature in individuals affected with ZDHHC9-related conditions. ClinVar contains an entry for this variant (Variation ID: 1717941). Advanced modeling of protein sequence and biophysical properties (such as structural, functional, and spatial information, amino acid conservation, physicochemical variation, residue mobility, and thermodynamic stability) performed at Invitae indicates that this missense variant is expected to disrupt ZDHHC9 protein function with a positive predictive value of 80%. In summary, the available evidence is currently insufficient to determine the role of this variant in disease. Therefore, it has been classified as a Variant of Uncertain Significance.

NM_016032.4(ZDHHC9):c.770A>G (p.Asn257Ser)

Gene: ZDHHC9 (zDHHC palmitoyltransferase 9; minus strand). Cytogenetic location: Xq26.1.
Variant type: single nucleotide variant.
Coding change: c.770A>G on transcript NM_016032.4 (MANE Select); coding-DNA position 770, A replaced by G.
Protein change: p.Asn257Ser; replaces asparagine 257 with serine.
Molecular consequence: missense variant.
Genome position (GRCh38, 1-based): chrX:129,812,725, T>C on the plus strand (A>G on the coding strand, the complement: ZDHHC9 is on the minus strand). VCF-style: chrX-129812725-T-C. GRCh37 (hg19) VCF-style: chrX-128946701-T-C.
Other names: c.770A>G, p.Asn257Ser (NM_001008222.3); c.770A>G (NM_016032.2); short protein forms N257S.
Identifiers: ClinVar variation 1717941 (VCV001717941.7), dbSNP rs2522184764, ClinGen allele CA414583231.